The following is an entry in ClinVar:

ClinVar aggregate classification (germline): Pathogenic (1 of 4 stars; one submission).

Submission:

GeneDx
Classification: Pathogenic. Last evaluated: 2018-04-06. Review status: criteria provided, single submitter. Criteria: GeneDx Variant Classification (06012015). Collection method: clinical testing. Allele origin: germline. Affected: yes.
Comment: The S530X variant in the FGFR1 gene has not been reported previously as a pathogenic variant nor as a benign variant, to our knowledge. This variant is predicted to cause loss of normal protein function either through protein truncation or nonsense-mediated mRNA decay. The S530X variant is not observed in large population cohorts (Lek et al., 2016). We interpret S530X as a pathogenic variant.

NM_023110.3(FGFR1):c.1589C>A (p.Ser530Ter)

Gene: FGFR1 (fibroblast growth factor receptor 1; minus strand). Cytogenetic location: 8p11.23.
Variant type: single nucleotide variant.
Coding change: c.1589C>A on transcript NM_023110.3 (MANE Select); coding-DNA position 1589, C replaced by A.
Protein change: p.Ser530Ter; replaces serine 530 with a stop codon.
Molecular consequence: nonsense.
Genome position (GRCh38, 1-based): chr8:38,417,380, G>T on the plus strand (C>A on the coding strand, the complement: FGFR1 is on the minus strand). VCF-style: chr8-38417380-G-T. GRCh37 (hg19) VCF-style: chr8-38274898-G-T.
Other names: c.1583C>A, p.Ser528Ter (NM_001174063.2, NM_001174065.2, NM_001354367.2 and 1 more transcripts); c.1559C>A, p.Ser520Ter (NM_001174064.2); c.1322C>A, p.Ser441Ter (NM_001174066.2, NM_023105.3); c.1682C>A, p.Ser561Ter (NM_001174067.2); c.1310C>A, p.Ser437Ter (NM_001354368.2); c.1577C>A, p.Ser526Ter (NM_001354369.2); c.1316C>A, p.Ser439Ter (NM_001354370.2, NM_023106.3); short protein forms S530*, S437*, S520*, S561*, S439*, S526*, S441*, S528*.
Identifiers: ClinVar variation 523869 (VCV000523869.2), dbSNP rs1554551706, ClinGen allele CA370732314.
Genomic context (GRCh38, chr8:38,417,380, plus strand): 5'-GCCCCCAGCAGGTTGATGATATTCTTATGCTTCCCGATCATCTTCATCATCTCCATTTCT[G>T]AGATCAGGTCTGACAAGTCTTTCTCTGTTGCGTCCGCTTTAAAGAACACGTTGAGACTCA-3'